The following is an entry in ClinVar:

NM_014822.4(SEC24D):c.59G>A (p.Gly20Asp)

Gene: SEC24D (SEC24 homolog D, COPII component; minus strand). Cytogenetic location: 4q26.
Variant type: single nucleotide variant.
Coding change: c.59G>A on transcript NM_014822.4 (MANE Select); coding-DNA position 59, G replaced by A.
Protein change: p.Gly20Asp; replaces glycine 20 with aspartic acid.
Molecular consequence: missense variant.
Genome position (GRCh38, 1-based): chr4:118,833,638, C>T on the plus strand (G>A on the coding strand, the complement: SEC24D is on the minus strand). VCF-style: chr4-118833638-C-T. GRCh37 (hg19) VCF-style: chr4-119754793-C-T.
Other names: c.59G>A, p.Gly20Asp (NM_001318066.2); c.59G>A (NM_014822.2); short protein forms G20D.
Identifiers: ClinVar variation 1473038 (VCV001473038.8), dbSNP rs773228161, ClinGen allele CA3057665.

ClinVar aggregate classification (germline): Uncertain significance. Review status: criteria provided, multiple submitters, no conflicts (2 of 4 stars). 2 submissions from 2 submitters: Uncertain significance (2). Last evaluated 2025-03-22.

Conditions:
Inborn genetic diseases. Identifiers: MedGen C0950123, MeSH D030342.

Allele frequency attached by ClinVar (database versions not stated): TOPMed 0.00001; gnomAD exomes 0.00001; ExAC 0.00001.
gnomAD v4.1: 2 of 1,614,024 alleles (0.00012%); highest among the groups gnomAD compares: Admixed American, 0.0033%; no homozygotes.

Submissions (2):

Ambry Genetics
Classification: Uncertain significance for Inborn genetic diseases. Last evaluated: 2025-03-22. Review status: criteria provided, single submitter. Criteria: Ambry Variant Classification Scheme 2023. Collection method: clinical testing. Allele origin: germline.

Labcorp Genetics (formerly Invitae), Labcorp
Classification: Uncertain significance. Last evaluated: 2024-01-22. Review status: criteria provided, single submitter. Criteria: Invitae Variant Classification Sherloc (09022015). Collection method: clinical testing. Allele origin: germline.
Comment: This sequence change replaces glycine, which is neutral and non-polar, with aspartic acid, which is acidic and polar, at codon 20 of the SEC24D protein (p.Gly20Asp). This variant is present in population databases (rs773228161, gnomAD 0.003%). This variant has not been reported in the literature in individuals affected with SEC24D-related conditions. ClinVar contains an entry for this variant (Variation ID: 1473038). An algorithm developed to predict the effect of missense changes on protein structure and function (PolyPhen-2) suggests that this variant¬†is likely to be tolerated. In summary, the available evidence is currently insufficient to determine the role of this variant in disease. Therefore, it has been classified as a Variant of Uncertain Significance.